The following is an entry in ClinVar:

NM_015346.4(ZFYVE26):c.3931C>T (p.Arg1311Cys)

Gene: ZFYVE26 (zinc finger FYVE-type containing 26; minus strand). Cytogenetic location: 14q24.1.
Variant type: single nucleotide variant.
Coding change: c.3931C>T on transcript NM_015346.4 (MANE Select); coding-DNA position 3931, C replaced by T.
Protein change: p.Arg1311Cys; replaces arginine 1311 with cysteine.
Molecular consequence: missense variant.
Genome position (GRCh38, 1-based): chr14:67,783,221, G>A on the plus strand (C>T on the coding strand, the complement: ZFYVE26 is on the minus strand). VCF-style: chr14-67783221-G-A. GRCh37 (hg19) VCF-style: chr14-68249938-G-A.
Other names: short protein forms R1311C.
Identifiers: ClinVar variation 1365601 (VCV001365601.6), dbSNP rs763605079, ClinGen allele CA7239879.

ClinVar aggregate classification (germline): Uncertain significance (1 of 4 stars; one submission).

Conditions:
Spastic paraplegia. Identifiers: MedGen C0037772, HP:0001258.

Allele frequency attached by ClinVar (database versions not stated): ExAC 0.00001; gnomAD exomes 0.00001 and 0.00002; gnomAD 0.00002; TOPMed 0.00002.
gnomAD v4.1: 24 of 1,613,612 alleles (0.0015%); highest among the groups gnomAD compares: Admixed American, 0.005%; no homozygotes.

Submission:

Labcorp Genetics (formerly Invitae), Labcorp
Classification: Uncertain significance for Spastic paraplegia. Last evaluated: 2024-10-17. Review status: criteria provided, single submitter. Criteria: Invitae Variant Classification Sherloc (09022015). Collection method: clinical testing. Allele origin: germline.
Comment: This sequence change replaces arginine, which is basic and polar, with cysteine, which is neutral and slightly polar, at codon 1311 of the ZFYVE26 protein (p.Arg1311Cys). This variant is present in population databases (rs763605079, gnomAD 0.009%). This variant has not been reported in the literature in individuals affected with ZFYVE26-related conditions. ClinVar contains an entry for this variant (Variation ID: 1365601). An algorithm developed to predict the effect of missense changes on protein structure and function outputs the following: PolyPhen-2: "Possibly Damaging". The cysteine amino acid residue is found in multiple mammalian species, which suggests that this missense change does not adversely affect protein function. In summary, the available evidence is currently insufficient to determine the role of this variant in disease. Therefore, it has been classified as a Variant of Uncertain Significance.